The following is an entry in ClinVar:

NM_000440.3(PDE6A):c.1136G>A (p.Gly379Glu)

Gene: PDE6A (phosphodiesterase 6A; minus strand). Cytogenetic location: 5q32.
Variant type: single nucleotide variant.
Coding change: c.1136G>A on transcript NM_000440.3 (MANE Select); coding-DNA position 1136, G replaced by A.
Protein change: p.Gly379Glu; replaces glycine 379 with glutamic acid.
Molecular consequence: missense variant.
Genome position (GRCh38, 1-based): chr5:149,899,502, C>T on the plus strand (G>A on the coding strand, the complement: PDE6A is on the minus strand). VCF-style: chr5-149899502-C-T. GRCh37 (hg19) VCF-style: chr5-149279065-C-T.
Other names: c.893G>A, p.Gly298Glu (NM_001410788.1); short protein forms G379E, G298E.
Identifiers: ClinVar variation 1995141 (VCV001995141.4), dbSNP rs2480578607, ClinGen allele CA361697084.

ClinVar aggregate classification (germline): Uncertain significance (1 of 4 stars; one submission).

Submission:

Labcorp Genetics (formerly Invitae), Labcorp
Classification: Uncertain significance. Last evaluated: 2022-05-30. Review status: criteria provided, single submitter. Criteria: Invitae Variant Classification Sherloc (09022015). Collection method: clinical testing. Allele origin: germline.
Comment: This sequence change replaces glycine, which is neutral and non-polar, with glutamic acid, which is acidic and polar, at codon 379 of the PDE6A protein (p.Gly379Glu). This variant is not present in population databases (gnomAD no frequency). This variant has not been reported in the literature in individuals affected with PDE6A-related conditions. Algorithms developed to predict the effect of missense changes on protein structure and function are either unavailable or do not agree on the potential impact of this missense change (SIFT: "Deleterious"; PolyPhen-2: "Probably Damaging"; Align-GVGD: "Class C0"). In summary, the available evidence is currently insufficient to determine the role of this variant in disease. Therefore, it has been classified as a Variant of Uncertain Significance.